The following is an entry in ClinVar:

NM_001367624.2(ZNF469):c.1823T>C (p.Leu608Pro)

Gene: ZNF469 (zinc finger protein 469; plus strand). Cytogenetic location: 16q24.2.
Variant type: single nucleotide variant.
Coding change: c.1823T>C on transcript NM_001367624.2 (MANE Select); coding-DNA position 1823, T replaced by C.
Protein change: p.Leu608Pro; replaces leucine 608 with proline.
Molecular consequence: missense variant.
Genome position (GRCh38, 1-based): chr16:88,429,293, T>C. VCF-style: chr16-88429293-T-C. GRCh37 (hg19) VCF-style: chr16-88495701-T-C.
Other names: NM_001127464.1:c.1823T>C; short protein forms L608P.
Identifiers: ClinVar variation 1780804 (VCV001780804.2), dbSNP rs2507576212, ClinGen allele CA397068667.
Genomic context (GRCh38, chr16:88,429,293, plus strand): 5'-CCAGCGAGTCCCCACTGCCGTCACCGGCCACCAACACGGCCGGCAGCACCTGCTCTTCCC[T>C]GTCGCCGATGTCCAGCAGCCCAGCCAACCCCAGCTCAGAGGAAAGCCAGCTCCCCGGCCC-3'
Protein context (NP_001354553.1, residues 598-618): TNTAGSTCSS[Leu608Pro]SPMSSSPANP

ClinVar aggregate classification (germline): Uncertain significance (1 of 4 stars; one submission).

Conditions:
Cardiovascular phenotype. Identifiers: MedGen CN230736.

Allele frequency attached by ClinVar (database versions not stated): gnomAD exomes below 0.00001.
gnomAD v4.1: 3 of 1,549,790 alleles (0.00019%); highest among the groups gnomAD compares: Admixed American, 0.002%; no homozygotes.

Submission:

Ambry Genetics
Classification: Uncertain significance for Cardiovascular phenotype. Last evaluated: 2021-06-23. Review status: criteria provided, single submitter. Criteria: Ambry Variant Classification Scheme 2023. Collection method: clinical testing. Allele origin: germline.
Comment: The p.L608P variant (also known as c.1823T>C), located in coding exon 1 of the ZNF469 gene, results from a T to C substitution at nucleotide position 1823. The leucine at codon 608 is replaced by proline, an amino acid with similar properties. This amino acid position is conserved. In addition, this alteration is predicted to be tolerated by in silico analysis. Since supporting evidence is limited at this time, the clinical significance of this alteration remains unclear.